The following is an entry in ClinVar:

ClinVar aggregate classification (germline): Uncertain significance (1 of 4 stars; one submission).

Submission:

Labcorp Genetics (formerly Invitae), Labcorp
Classification: Uncertain significance. Last evaluated: 2025-09-26. Review status: criteria provided, single submitter. Criteria: Invitae Variant Classification Sherloc (09022015). Collection method: clinical testing. Allele origin: germline.
Comment: This sequence change replaces serine, which is neutral and polar, with glycine, which is neutral and non-polar, at codon 983 of the AP3D1 protein (p.Ser983Gly). This variant is not present in population databases (gnomAD no frequency). This variant has not been reported in the literature in individuals affected with AP3D1-related conditions. An algorithm developed to predict the effect of missense changes on protein structure and function (PolyPhen-2) suggests that this variant is likely to be tolerated. In summary, the available evidence is currently insufficient to determine the role of this variant in disease. Therefore, it has been classified as a Variant of Uncertain Significance.

NM_001261826.3(AP3D1):c.2947A>G (p.Ser983Gly)

Gene: AP3D1 (adaptor related protein complex 3 subunit delta 1; minus strand). Cytogenetic location: 19p13.3.
Variant type: single nucleotide variant.
Coding change: c.2947A>G on transcript NM_001261826.3 (MANE Select); coding-DNA position 2947, A replaced by G.
Protein change: p.Ser983Gly; replaces serine 983 with glycine.
Molecular consequence: missense variant.
Genome position (GRCh38, 1-based): chr19:2,111,323, T>C on the plus strand (A>G on the coding strand, the complement: AP3D1 is on the minus strand). VCF-style: chr19-2111323-T-C. GRCh37 (hg19) VCF-style: chr19-2111322-T-C.
Other names: c.2911A>G, p.Ser971Gly (NM_001374799.1); c.2761A>G, p.Ser921Gly (NM_003938.8); short protein forms S971G, S921G, S983G.
Identifiers: ClinVar variation 4760974 (VCV004760974.1).